The following is an entry in ClinVar:

ClinVar aggregate classification (germline): Uncertain significance (1 of 4 stars; one submission).

Conditions:
Ataxia-telangiectasia syndrome (AT). Also called: ATAXIA-TELANGIECTASIA, COMPLEMENTATION GROUP A; ATAXIA-TELANGIECTASIA, FRESNO VARIANT; LOUIS-BAR SYNDROME; Ataxia-telangiectasia, complementation group D; Ataxia-telangiectasia, complementation group E; Cerebello-oculocutaneous telangiectasia. Identifiers: Orphanet 100, MedGen C0004135, MONDO:0008840, OMIM 208900.

Submission:

Labcorp Genetics (formerly Invitae), Labcorp
Classification: Uncertain significance for Ataxia-telangiectasia syndrome. Last evaluated: 2024-02-15. Review status: criteria provided, single submitter. Criteria: Invitae Variant Classification Sherloc (09022015). Collection method: clinical testing. Allele origin: germline.
Comment: This sequence change replaces methionine, which is neutral and non-polar, with isoleucine, which is neutral and non-polar, at codon 753 of the ATM protein (p.Met753Ile). This variant is not present in population databases (gnomAD no frequency). This variant has not been reported in the literature in individuals affected with ATM-related conditions. An algorithm developed to predict the effect of missense changes on protein structure and function (PolyPhen-2) suggests that this variant is likely to be tolerated. Algorithms developed to predict the effect of sequence changes on RNA splicing suggest that this variant may disrupt the consensus splice site. In summary, the available evidence is currently insufficient to determine the role of this variant in disease. Therefore, it has been classified as a Variant of Uncertain Significance.

NM_000051.4(ATM):c.2259G>T (p.Met753Ile)

Gene: ATM (ATM serine/threonine kinase; plus strand). Cytogenetic location: 11q22.3.
Variant type: single nucleotide variant.
Coding change: c.2259G>T on transcript NM_000051.4 (MANE Select); coding-DNA position 2259, G replaced by T.
Protein change: p.Met753Ile; replaces methionine 753 with isoleucine.
Molecular consequence: missense variant.
Genome position (GRCh38, 1-based): chr11:108,257,489, G>T. VCF-style: chr11-108257489-G-T. GRCh37 (hg19) VCF-style: chr11-108128216-G-T.
Other names: c.2259G>T, p.Met753Ile (NM_001351834.2); short protein forms M753I.
Identifiers: ClinVar variation 3641071 (VCV003641071.2).